The following is an entry in ClinVar:

NM_001206979.2(NR1H4):c.669C>A (p.Thr223=)

Gene: NR1H4 (nuclear receptor subfamily 1 group H member 4; plus strand). Cytogenetic location: 12q23.1.
Variant type: single nucleotide variant.
Coding change: c.669C>A on transcript NM_001206979.2 (MANE Select); coding-DNA position 669, C replaced by A.
Protein change: p.Thr223=; no amino-acid change (threonine 223 retained).
Molecular consequence: synonymous variant. On other transcripts: non-coding transcript variant (1).
Genome position (GRCh38, 1-based): chr12:100,534,960, C>A. VCF-style: chr12-100534960-C-A. GRCh37 (hg19) VCF-style: chr12-100928738-C-A.
Other names: c.669C>A, p.Thr223= (NM_001206977.2); c.516C>A, p.Thr172= (NM_001206978.2); c.687C>A, p.Thr229= (NM_001206992.2); c.699C>A, p.Thr233= (NM_001206993.2); c.657C>A, p.Thr219= (NM_005123.4).
Identifiers: ClinVar variation 3032668 (VCV003032668.3), dbSNP rs768563784, ClinGen allele CA6739299.

ClinVar aggregate classification (germline): Likely benign. Review status: criteria provided, single submitter (1 of 4 stars). 2 submissions from 2 submitters: Likely benign (1). 1 of the submissions does not count toward it. Last evaluated 2025-08-03.

Conditions:
NR1H4-related disorder. Also called: NR1H4-related condition.

Allele frequency attached by ClinVar (database versions not stated): ExAC 0.00002.
gnomAD v4.1: 17 of 1,613,992 alleles (0.0011%); highest among the groups gnomAD compares: Admixed American, 0.027%; no homozygotes.

Submissions (2):

Labcorp Genetics (formerly Invitae), Labcorp
Classification: Likely benign. Last evaluated: 2025-08-03. Review status: criteria provided, single submitter. Criteria: Invitae Variant Classification Sherloc (09022015). Collection method: clinical testing. Allele origin: germline.

PreventionGenetics, part of Exact Sciences
Classification: Likely benign for NR1H4-related condition. Last evaluated: 2022-09-08. Review status: no assertion criteria provided. Collection method: clinical testing. Allele origin: germline. Not counted in ClinVar's aggregate classification.
Comment: This variant is classified as likely benign based on ACMG/AMP sequence variant interpretation guidelines (Richards et al. 2015 PMID: 25741868, with internal and published modifications).